The following is an entry in ClinVar:

NM_000088.4(COL1A1):c.1984-5C>A

Gene: COL1A1 (collagen type I alpha 1 chain; minus strand). Cytogenetic location: 17q21.33.
Variant type: single nucleotide variant.
Coding change: c.1984-5C>A on transcript NM_000088.4 (MANE Select); 5 bases into the intron before coding-DNA position 1984, C replaced by A.
Molecular consequence: intron variant.
Genome position (GRCh38, 1-based): chr17:50,192,029, G>T on the plus strand (C>A on the coding strand, the complement: COL1A1 is on the minus strand). VCF-style: chr17-50192029-G-T. GRCh37 (hg19) VCF-style: chr17-48269390-G-T.
Other names: p.?.
Identifiers: ClinVar variation 196607 (VCV000196607.75), dbSNP rs66592376, ClinGen allele CA202470.
Genomic context (GRCh38, chr17:50,192,029, plus strand): 5'-GGCCTACTTACTCTTGCTCCAGAGGGGCCAGGGGCGCCAAGGTCTCCAGGAACACCCTGA[G>T]GGGGAGGGAGAGAGGAACAGACAGTGAGCAAAACCCACCTGGGGCCACTCTGCTGGAAAG-3'

ClinVar aggregate classification (germline): Conflicting classifications of pathogenicity. Review status: criteria provided, conflicting classifications (1 of 4 stars). 25 submissions from 22 submitters: Uncertain significance (3); Benign (10); Likely benign (7). 5 of the submissions do not count toward it. Last evaluated 2026-09-01.

Conditions:
Ehlers-Danlos/osteogenesis imperfecta syndrome. Identifiers: Orphanet 230857, MedGen C4518787, MONDO:0016470.
Connective tissue disorder. Also called: Connective tissue disease. Identifiers: MedGen C0009782, MONDO:0003900.
Cardiovascular phenotype. Identifiers: MedGen CN230736.
COL1A1-related disorder. Also called: COL1A1- related disease; COL1A1-related condition.
Ehlers-Danlos syndrome (EDS). Identifiers: Orphanet 98249, MedGen C0013720, MONDO:0020066.
Ehlers-Danlos syndrome, arthrochalasia type. Also called: Ehlers-Danlos syndrome, arthrochalasis type; EDS VII, MUTANT PROCOLLAGEN TYPE; EDS VIIA; Ehlers-Danlos syndrome, arthrochalasia type, 1; ARTHROCHALASIS MULTIPLEX CONGENITA. Identifiers: Orphanet 1899, Orphanet 99875, Orphanet 99876, MedGen C4551623, MONDO:0007525, OMIM 130060.
Infantile cortical hyperostosis. Also called: Hyperostosis, Cortical, Congenital; Caffey Disease; P1PK BLOOD GROUP SYSTEM, P(2) PHENOTYPE. Identifiers: Orphanet 1310, MedGen C0020497, MONDO:0007244, OMIM 114000.
Osteogenesis imperfecta type I (OI1). Also called: OI, TYPE I; OSTEOGENESIS IMPERFECTA TARDA; OSTEOGENESIS IMPERFECTA WITH BLUE SCLERAE; Lobstein disease; Lobstein's Disease; Classic Non-deforming Osteogenesis Imperfecta with Blue Sclerae. Identifiers: Orphanet 216796, Orphanet 666, MedGen C0023931, MONDO:0008146, OMIM 166200. Disease mechanism: loss of function.
Osteogenesis imperfecta (OI). Identifiers: Orphanet 666, MedGen C0029434, MeSH D010013, MONDO:0019019.

Allele frequency attached by ClinVar (database versions not stated): 1000 Genomes Project 30x 0.00219; 1000 Genomes Project 0.00220; gnomAD 0.00249; TOPMed 0.00306; ESP Exome Variant Server 0.00331.
gnomAD v4.1: 6,321 of 1,612,032 alleles (0.39%); highest among the groups gnomAD compares: Non-Finnish European, 0.48%; 19 homozygotes.

Submissions 1 to 21 of 35:

CeGaT Center for Human Genetics Tuebingen
Classification: Likely benign. Last evaluated: 2026-09-01. Review status: criteria provided, single submitter. Criteria: CeGaT Center For Human Genetics Tuebingen Variant Classification Criteria Version 2. Collection method: clinical testing. Allele origin: germline. Affected: yes. Observed: 26 variant alleles.
Comment: COL1A1: BP4, BS2

Labcorp Genetics (formerly Invitae), Labcorp
Classification: Benign for Osteogenesis imperfecta type I. Last evaluated: 2026-02-01. Review status: criteria provided, single submitter. Criteria: Invitae Variant Classification Sherloc (09022015). Collection method: clinical testing. Allele origin: germline.

ARUP Laboratories, Molecular Genetics and Genomics, ARUP Laboratories
Classification: Benign. Last evaluated: 2025-04-09. Review status: criteria provided, single submitter. Criteria: ARUP Molecular Germline Variant Investigation Process 2024. Collection method: clinical testing. Allele origin: germline.

Molecular Diagnostic Laboratory for Inherited Cardiovascular Disease, Montreal Heart Institute
Classification: Benign. Last evaluated: 2025-04-09. Review status: criteria provided, single submitter. Criteria: ACMG Guidelines, 2015. Collection method: clinical testing. Allele origin: germline. Affected: no.

Blueprint Genetics
Classification: Likely benign. Last evaluated: 2024-11-28. Review status: criteria provided, single submitter. Criteria: ACMG Guidelines, 2015. Collection method: clinical testing. Allele origin: germline.

Molecular Genetics, Royal Melbourne Hospital
Classification: Likely benign for Ehlers-Danlos/osteogenesis imperfecta syndrome. Last evaluated: 2023-08-01. Review status: criteria provided, single submitter. Criteria: ACMG Guidelines, 2015. Collection method: clinical testing. Allele origin: germline. Inheritance: Autosomal dominant inheritance.

Ambry Genetics
Classification: Likely benign for Cardiovascular phenotype. Last evaluated: 2021-11-04. Review status: criteria provided, single submitter. Criteria: Ambry Variant Classification Scheme 2023. Collection method: clinical testing. Allele origin: germline.

Genome Diagnostics Laboratory, The Hospital for Sick Children
Classification: Benign for Osteogenesis imperfecta. Last evaluated: 2021-09-17. Review status: criteria provided, single submitter. Criteria: ACMG Guidelines, 2015. Collection method: clinical testing. Allele origin: germline.

Genome Diagnostics Laboratory, The Hospital for Sick Children
Classification: Benign for Ehlers-Danlos syndrome. Last evaluated: 2021-09-17. Review status: criteria provided, single submitter. Criteria: ACMG Guidelines, 2015. Collection method: clinical testing. Allele origin: germline.

Women's Health and Genetics/Laboratory Corporation of America, LabCorp
Classification: Benign. Last evaluated: 2020-12-08. Review status: criteria provided, single submitter. Criteria: LabCorp Variant Classification Summary - May 2015. Collection method: clinical testing. Allele origin: germline.
Comment: Variant summary: COL1A1 c.1984-5C>A alters a non-conserved nucleotide located close to a canonical splice site and therefore could affect mRNA splicing, leading to a significantly altered protein sequence. 4/4 computational tools predict no significant impact on normal splicing. However, these predictions have yet to be confirmed by functional studies. The variant allele was found at a frequency of 0.003 in 244168 control chromosomes, predominantly at a frequency of 0.0051 within the Non-Finnish European subpopulation in the gnomAD database, including 2 homozygotes. The observed variant frequency within Non-Finnish European control individuals in the gnomAD database is approximately 180 fold of the estimated maximal expected allele frequency for a pathogenic variant in COL1A1 causing Osteogenesis Imperfecta phenotype (2.8e-05), strongly suggesting that the variant is a benign polymorphism. Though the variant c.1984-5C>A (also called as IVS29-5C>A) has been reported in the literature in individuals affected with Osteogenesis Imperfecta (Venturi_2006, Schleit_2015), no strong evidence for causality was provided. These reports therefore do not provide unequivocal conclusions about association of the variant with Osteogenesis Imperfecta. To our knowledge, no experimental evidence demonstrating an impact on protein function has been reported. Nine submitters have provided clinical-significance assessments for this variant in ClinVar after 2014 without evidence for independent evaluation, and classified the variant as VUS (1x), likely benign (3x) or benign (5x). Based on the evidence outlined above, the variant was classified as benign.

Mayo Clinic Laboratories, Mayo Clinic
Classification: Benign. Last evaluated: 2019-06-18. Review status: criteria provided, single submitter. Criteria: ACMG Guidelines, 2015. Collection method: clinical testing. Allele origin: germline. Observed: 35 variant alleles.

Mendelics
Classification: Likely benign for Osteogenesis imperfecta type I. Last evaluated: 2019-05-28. Review status: criteria provided, single submitter. Criteria: Mendelics Assertion Criteria 2017. Collection method: clinical testing. Allele origin: unknown.

GeneDx
Classification: Benign. Last evaluated: 2017-12-20. Review status: criteria provided, single submitter. Criteria: GeneDx Variant Classification (06012015). Collection method: clinical testing. Allele origin: germline. Affected: yes.
Comment: This variant is considered likely benign or benign based on one or more of the following criteria: it is a conservative change, it occurs at a poorly conserved position in the protein, it is predicted to be benign by multiple in silico algorithms, and/or has population frequency not consistent with disease.

Center for Pediatric Genomic Medicine, Children's Mercy Hospital and Clinics
Classification: Likely benign. Last evaluated: 2017-08-31. Review status: criteria provided, single submitter. Criteria: ACMG Guidelines, 2015. Collection method: clinical testing. Allele origin: germline.

Athena Diagnostics
Classification: Benign. Last evaluated: 2017-07-17. Review status: criteria provided, single submitter. Criteria: Athena Diagnostics Criteria. Collection method: clinical testing. Allele origin: germline.

Illumina Laboratory Services, Illumina
Classification: Likely benign for Ehlers-Danlos syndrome, arthrochalasia type. Last evaluated: 2017-04-27. Review status: criteria provided, single submitter. Criteria: ICSL Variant Classification Criteria 13 December 2019. Collection method: clinical testing. Allele origin: germline.
Comment: This variant was observed as part of a predisposition screen in an ostensibly healthy population. A literature search was performed for the gene, cDNA change, and amino acid change (where applicable). No publications were found based on this search. Allele frequency data from public databases allowed determination this variant is unlikely to cause disease. Therefore, this variant is classified as likely benign.

Illumina Laboratory Services, Illumina
Classification: Uncertain significance for Infantile cortical hyperostosis. Last evaluated: 2017-04-27. Review status: criteria provided, single submitter. Criteria: ICSL Variant Classification Criteria 13 December 2019. Collection method: clinical testing. Allele origin: germline.

Illumina Laboratory Services, Illumina
Classification: Uncertain significance for Osteogenesis imperfecta. Last evaluated: 2017-04-27. Review status: criteria provided, single submitter. Criteria: ICSL Variant Classification Criteria 13 December 2019. Collection method: clinical testing. Allele origin: germline.

Center for Human Genetics, Inc
Classification: Uncertain significance for Connective tissue disorder. Last evaluated: 2016-11-01. Review status: criteria provided, single submitter. Criteria: ACMG Guidelines, 2015. Collection method: clinical testing. Allele origin: germline. Affected: yes.

Eurofins Ntd Llc (ga)
Classification: Benign. Last evaluated: 2015-05-19. Review status: criteria provided, single submitter. Criteria: EGL Classification Definitions 2015. Collection method: clinical testing. Allele origin: germline. Observed: 3 variant alleles, 3 heterozygotes.

PreventionGenetics, part of Exact Sciences
Classification: Likely benign for COL1A1-related condition. Last evaluated: 2019-04-09. Review status: no assertion criteria provided. Collection method: clinical testing. Allele origin: germline. Not counted in ClinVar's aggregate classification.
Comment: This variant is classified as likely benign based on ACMG/AMP sequence variant interpretation guidelines (Richards et al. 2015 PMID: 25741868, with internal and published modifications).